The following is an entry in ClinVar:

ClinVar aggregate classification (germline): Likely benign. Review status: criteria provided, multiple submitters, no conflicts (2 of 4 stars). 4 submissions from 4 submitters: Likely benign (3). 1 of the submissions does not count toward it. Last evaluated 2026-01-08.

Conditions:
CARMIL2-related disorder. Also called: CARMIL2-related condition.

Allele frequency attached by ClinVar (database versions not stated): 1000 Genomes Project 0.00100; 1000 Genomes Project 30x 0.00125.

Submissions (4):

Labcorp Genetics (formerly Invitae), Labcorp
Classification: Likely benign. Last evaluated: 2026-01-08. Review status: criteria provided, single submitter. Criteria: Invitae Variant Classification Sherloc (09022015). Collection method: clinical testing. Allele origin: germline.

Blueprint Genetics
Classification: Likely benign. Last evaluated: 2019-12-03. Review status: criteria provided, single submitter. Criteria: ACMG Guidelines, 2015. Collection method: clinical testing. Allele origin: germline.

Breakthrough Genomics
Classification: Likely benign. Review status: criteria provided, single submitter. Criteria: ACMG Guidelines, 2015. Collection method: not provided. Allele origin: germline. Inheritance: Autosomal recessive inheritance. Affected: yes.

PreventionGenetics, part of Exact Sciences
Classification: Likely benign for CARMIL2-related condition. Last evaluated: 2024-08-06. Review status: no assertion criteria provided. Collection method: clinical testing. Allele origin: germline. Not counted in ClinVar's aggregate classification.
Comment: This variant is classified as likely benign based on ACMG/AMP sequence variant interpretation guidelines (Richards et al. 2015 PMID: 25741868, with internal and published modifications).

NM_001013838.3(CARMIL2):c.2414G>A (p.Arg805His)

Gene: CARMIL2 (capping protein regulator and myosin 1 linker 2; plus strand). Cytogenetic location: 16q22.1.
Variant type: single nucleotide variant.
Coding change: c.2414G>A on transcript NM_001013838.3 (MANE Select); coding-DNA position 2414, G replaced by A.
Protein change: p.Arg805His; replaces arginine 805 with histidine.
Molecular consequence: missense variant.
Genome position (GRCh38, 1-based): chr16:67,651,501, G>A. VCF-style: chr16-67651501-G-A. GRCh37 (hg19) VCF-style: chr16-67685404-G-A.
Other names: c.2414G>A (NM_001013838.1); c.2306G>A, p.Arg769His (NM_001317026.3); short protein forms R769H, R805H.
Identifiers: ClinVar variation 1139643 (VCV001139643.12), dbSNP rs185503585, ClinGen allele CA8113781.
Genomic context (GRCh38, chr16:67,651,501, plus strand): 5'-ATCACTGGCAGCTTGGGCAGAAGCTGGAGGGCCTTCTGAGACAGGTGGGCGAGGTCTGCC[G>A]CCAGGACATCCAGGTGAGAGGGTACTCCTGCCCCAACCCCACCTCCGTTTGCAGGTTTGA-3'
Protein context (NP_001013860.1, residues 795-815): GLLRQVGEVC[Arg805His]QDIQDFTQAT